The following is an entry in ClinVar:

ClinVar aggregate classification (germline): Uncertain significance (1 of 4 stars; one submission).

Submission:

GeneDx
Classification: Uncertain significance. Last evaluated: 2021-09-29. Review status: criteria provided, single submitter. Criteria: GeneDx Variant Classification Process June 2021. Collection method: clinical testing. Allele origin: germline. Affected: yes.
Comment: Not observed at significant frequency in large population cohorts (Lek et al., 2016); In silico analysis supports that this missense variant does not alter protein structure/function; Has not been previously published as pathogenic or benign to our knowledge

NM_006445.4(PRPF8):c.644A>G (p.Asp215Gly)

Gene: PRPF8 (pre-mRNA processing factor 8; minus strand). Cytogenetic location: 17p13.3.
Variant type: single nucleotide variant.
Coding change: c.644A>G on transcript NM_006445.4 (MANE Select); coding-DNA position 644, A replaced by G.
Protein change: p.Asp215Gly; replaces aspartic acid 215 with glycine.
Molecular consequence: missense variant.
Genome position (GRCh38, 1-based): chr17:1,681,829, T>C on the plus strand (A>G on the coding strand, the complement: PRPF8 is on the minus strand). VCF-style: chr17-1681829-T-C. GRCh37 (hg19) VCF-style: chr17-1585123-T-C.
Other names: short protein forms D215G.
Identifiers: ClinVar variation 1304401 (VCV001304401.2), dbSNP rs1567692547, ClinGen allele CA397568471.